The following is an entry in ClinVar:

NM_021930.6(RINT1):c.1144G>A (p.Glu382Lys)

Gene: RINT1 (RAD50 interactor 1; plus strand). Cytogenetic location: 7q22.3.
Variant type: single nucleotide variant.
Coding change: c.1144G>A on transcript NM_021930.6 (MANE Select); coding-DNA position 1144, G replaced by A.
Protein change: p.Glu382Lys; replaces glutamic acid 382 with lysine.
Molecular consequence: missense variant. On other transcripts: non-coding transcript variant (1).
Genome position (GRCh38, 1-based): chr7:105,550,297, G>A. VCF-style: chr7-105550297-G-A. GRCh37 (hg19) VCF-style: chr7-105190744-G-A.
Other names: c.910G>A, p.Glu304Lys (NM_001346599.2); c.121G>A, p.Glu41Lys (NM_001346600.2, NM_001346603.2); c.220G>A, p.Glu74Lys (NM_001346601.2); short protein forms E41K, E74K, E304K, E382K.
Identifiers: ClinVar variation 1732138 (VCV001732138.2), dbSNP rs2485132881, ClinGen allele CA368808885.
Genomic context (GRCh38, chr7:105,550,297, plus strand): 5'-CCTCATGTTTGTGTATTTTTTTAGCTTGAATTTTCTCGGGGCCTTATGATGCTGGTTCTT[G>A]AGAAGTTAGCCACTGATATTCCTTGTCTGCTATATGATGACAATCTCTTCTGTCATTTGG-3'
Protein context (NP_068749.3, residues 372-392): FSRGLMMLVL[Glu382Lys]KLATDIPCLL

ClinVar aggregate classification (germline): Uncertain significance (1 of 4 stars; one submission).

Allele frequency attached by ClinVar (database versions not stated): gnomAD exomes below 0.00001.
gnomAD v4.1: 2 of 1,614,062 alleles (0.00012%); highest among the groups gnomAD compares: Non-Finnish European, 0.00017%; no homozygotes.

Submission:

Ambry Genetics
Classification: Uncertain significance. Last evaluated: 2022-10-17. Review status: criteria provided, single submitter. Criteria: Ambry Variant Classification Scheme 2023. Collection method: clinical testing. Allele origin: germline.
Comment: The p.E382K variant (also known as c.1144G>A), located in coding exon 9 of the RINT1 gene, results from a G to A substitution at nucleotide position 1144. The glutamic acid at codon 382 is replaced by lysine, an amino acid with similar properties. This amino acid position is highly conserved in available vertebrate species. In addition, the in silico prediction for this alteration is inconclusive. The evidence for this gene-disease relationship is limited; therefore, the clinical significance of this alteration is unclear.